The following is an entry in ClinVar:

NM_015272.5(RPGRIP1L):c.2161G>A (p.Gly721Arg)

Gene: RPGRIP1L (RPGRIP1 like; minus strand). Cytogenetic location: 16q12.2.
Variant type: single nucleotide variant.
Coding change: c.2161G>A on transcript NM_015272.5 (MANE Select); coding-DNA position 2161, G replaced by A.
Protein change: p.Gly721Arg; replaces glycine 721 with arginine.
Molecular consequence: missense variant.
Genome position (GRCh38, 1-based): chr16:53,649,107, C>T on the plus strand (G>A on the coding strand, the complement: RPGRIP1L is on the minus strand). VCF-style: chr16-53649107-C-T. GRCh37 (hg19) VCF-style: chr16-53683019-C-T.
Other names: c.2161G>A, p.Gly721Arg (NM_001127897.4, NM_001308334.3, NM_001330538.2); c.2161G>A (NM_015272.2, NM_015272.4); short protein forms G721R.
Identifiers: ClinVar variation 1008568 (VCV001008568.8), dbSNP rs780023355, ClinGen allele CA8057606.

ClinVar aggregate classification (germline): Uncertain significance. Review status: criteria provided, multiple submitters, no conflicts (2 of 4 stars). 5 submissions from 5 submitters: Uncertain significance (3). 2 of the submissions do not count toward it. Last evaluated 2023-02-07.

Conditions:
RPGRIP1L-related disorder. Also called: RPGRIP1L-related disorders; RPGRIP1L-related condition. Identifiers: MedGen CN239416.
Joubert syndrome. Also called: JOUBERT-BOLTSHAUSER SYNDROME; Familial aplasia of the vermis. Identifiers: Orphanet 475, MedGen C5979921, MONDO:0018772.
COACH syndrome 3. Identifiers: MedGen C5436841, MONDO:0030862, OMIM 619113.
Meckel syndrome, type 5 (MKS5). Identifiers: Orphanet 564, MedGen C1969052, MONDO:0012695, OMIM 611561.
Joubert syndrome 7 (JBTS7). Identifiers: Orphanet 220497, MedGen C1969053, MONDO:0012694, OMIM 611560.
Meckel-Gruber syndrome. Also called: Dysencephalia splachnocystica; DYSENCEPHALIA SPLANCHNOCYSTICA; GRUBER SYNDROME. Identifiers: Orphanet 564, MedGen C0265215, MONDO:0018921.

Allele frequency attached by ClinVar (database versions not stated): gnomAD exomes 0.00001 and 0.00002; gnomAD 0.00003; TOPMed 0.00003; ExAC 0.00002.
gnomAD v4.1: 22 of 1,613,764 alleles (0.0014%); highest among the groups gnomAD compares: African/African-American, 0.004%; no homozygotes.

Submissions (5):

GeneDx
Classification: Uncertain significance. Last evaluated: 2023-02-07. Review status: criteria provided, single submitter. Criteria: GeneDx Variant Classification Process June 2021. Collection method: clinical testing. Allele origin: germline. Affected: yes.
Comment: Not observed at significant frequency in large population cohorts (gnomAD); In silico analysis supports that this missense variant has a deleterious effect on protein structure/function; Has not been previously published as pathogenic or benign to our knowledge

Labcorp Genetics (formerly Invitae), Labcorp
Classification: Uncertain significance for Joubert syndrome; Meckel-Gruber syndrome. Last evaluated: 2022-08-09. Review status: criteria provided, single submitter. Criteria: Invitae Variant Classification Sherloc (09022015). Collection method: clinical testing. Allele origin: germline.
Comment: This sequence change replaces glycine, which is neutral and non-polar, with arginine, which is basic and polar, at codon 721 of the RPGRIP1L protein (p.Gly721Arg). This variant is present in population databases (rs780023355, gnomAD 0.004%). This variant has not been reported in the literature in individuals affected with RPGRIP1L-related conditions. ClinVar contains an entry for this variant (Variation ID: 1008568). Algorithms developed to predict the effect of missense changes on protein structure and function (SIFT, PolyPhen-2, Align-GVGD) all suggest that this variant is likely to be tolerated. In summary, the available evidence is currently insufficient to determine the role of this variant in disease. Therefore, it has been classified as a Variant of Uncertain Significance.

Fulgent Genetics
Classification: Uncertain significance for Joubert syndrome 7; Meckel syndrome, type 5; COACH syndrome 3. Last evaluated: 2021-12-16. Review status: criteria provided, single submitter. Criteria: ACMG Guidelines, 2015. Collection method: clinical testing. Allele origin: unknown.

PreventionGenetics, part of Exact Sciences
Classification: Uncertain significance for RPGRIP1L-related condition. Last evaluated: 2024-03-27. Review status: no assertion criteria provided. Collection method: clinical testing. Allele origin: germline. Not counted in ClinVar's aggregate classification.
Comment: The RPGRIP1L c.2161G>A variant is predicted to result in the amino acid substitution p.Gly721Arg. To our knowledge, this variant has not been reported in the literature. This variant is reported in 0.0026% of alleles in individuals of European (Non-Finnish) descent in gnomAD. At this time, the clinical significance of this variant is uncertain due to the absence of conclusive functional and genetic evidence.

Natera, Inc.
Classification: Uncertain significance for Joubert syndrome. Last evaluated: 2021-06-24. Review status: no assertion criteria provided. Collection method: clinical testing. Allele origin: germline. Not counted in ClinVar's aggregate classification.